The following is an entry in ClinVar:

NM_001276345.2(TNNT2):c.341C>A (p.Ala114Glu)

Gene: TNNT2 (troponin T2, cardiac type; minus strand). Cytogenetic location: 1q32.1.
Variant type: single nucleotide variant.
Coding change: c.341C>A on transcript NM_001276345.2 (MANE Select); coding-DNA position 341, C replaced by A.
Protein change: p.Ala114Glu; replaces alanine 114 with glutamic acid.
Molecular consequence: missense variant. On other transcripts: intron variant (1).
Genome position (GRCh38, 1-based): chr1:201,365,261, G>T on the plus strand (C>A on the coding strand, the complement: TNNT2 is on the minus strand). VCF-style: chr1-201365261-G-T. GRCh37 (hg19) VCF-style: chr1-201334389-G-T.
Other names: c.341C>A, p.Ala114Glu (NM_000364.4); c.311C>A, p.Ala104Glu (NM_001001430.3, NM_001001431.3, NM_001276347.2); c.296C>A, p.Ala99Glu (NM_001001432.3); c.291+349C>A (NM_001276346.2); short protein forms A114E, A99E, A104E.
Identifiers: ClinVar variation 1403198 (VCV001403198.8), dbSNP rs727504245, ClinGen allele CA344206434.

ClinVar aggregate classification (germline): Conflicting classifications of pathogenicity. Review status: criteria provided, conflicting classifications (1 of 4 stars). 2 submissions from 2 submitters: Likely pathogenic (1); Uncertain significance (1). Last evaluated 2023-03-23.

Conditions:
Dilated cardiomyopathy 1D. Identifiers: Orphanet 154, Orphanet 54260, MedGen C1832243, MONDO:0011095, OMIM 601494.
Cardiomyopathy, familial restrictive, 3. Identifiers: Orphanet 75249, MedGen C2676271, MONDO:0012900, OMIM 612422.
Hypertrophic cardiomyopathy 2. Also called: TNNT2-Related Familial Hypertrophic Cardiomyopathy. Identifiers: MedGen C1861864, MONDO:0007266, OMIM 115195.
Cardiovascular phenotype. Identifiers: MedGen CN230736.

Submissions (2):

Labcorp Genetics (formerly Invitae), Labcorp
Classification: Likely pathogenic for Cardiomyopathy, familial restrictive, 3; Hypertrophic cardiomyopathy 2; Dilated cardiomyopathy 1D. Last evaluated: 2023-03-23. Review status: criteria provided, single submitter. Criteria: Invitae Variant Classification Sherloc (09022015). Collection method: clinical testing. Allele origin: germline.
Comment: This sequence change replaces alanine, which is neutral and non-polar, with glutamic acid, which is acidic and polar, at codon 104 of the TNNT2 protein (p.Ala104Glu). This variant is not present in population databases (gnomAD no frequency). This missense change has been observed in individual(s) with hypertrophic cardiomyopathy (PMID: 28771489; Invitae). ClinVar contains an entry for this variant (Variation ID: 1403198). Advanced modeling of protein sequence and biophysical properties (such as structural, functional, and spatial information, amino acid conservation, physicochemical variation, residue mobility, and thermodynamic stability) performed at Invitae indicates that this missense variant is expected to disrupt TNNT2 protein function. This variant disrupts the p.Ala104 amino acid residue in TNNT2. Other variant(s) that disrupt this residue have been determined to be pathogenic (PMID: 9140840, 23396983, 27532257, 28790153). This suggests that this residue is clinically significant, and that variants that disrupt this residue are likely to be disease-causing. In summary, the currently available evidence indicates that the variant is pathogenic, but additional data are needed to prove that conclusively. Therefore, this variant has been classified as Likely Pathogenic.

Ambry Genetics
Classification: Uncertain significance for Cardiovascular phenotype. Last evaluated: 2022-05-12. Review status: criteria provided, single submitter. Criteria: Ambry Variant Classification Scheme 2023. Collection method: clinical testing. Allele origin: germline.
Comment: The p.A104E variant (also known as c.311C>A), located in coding exon 8 of the TNNT2 gene, results from a C to A substitution at nucleotide position 311. The alanine at codon 104 is replaced by glutamic acid, an amino acid with dissimilar properties. This variant was detected in a hypertrophic cardiomyopathy (HCM) case; however, clinical details were limited, and an additional cardiac variant was also reported (Mademont-Soler I et al. PLoS One, 2017 Aug;12:e0181465). Another alteration at the same codon, p.A104V (c.311C>T), has been described in HCM cohorts; however, in several cases, clinical detail or gene analysis was limited or the variant co-occurred with pathogenic mutations in other cardiomyopathy-associated genes (Nakajima-Taniguchi C et al. J. Mol. Cell. Cardiol. 1997 Feb;29(2):839-43; Lopes LR et al. Heart, 2015 Feb;101:294-301; Ingles J et al. Circ Cardiovasc Genet. 2017 Apr;10(2); Marschall C et al. Cardiovasc Diagn Ther, 2019 Oct;9:S292-S298). This amino acid position is poorly conserved in available vertebrate species. In addition, the in silico prediction for this alteration is inconclusive. Since supporting evidence is limited at this time, the clinical significance of this alteration remains unclear.

Literature cited by the submitters: PubMed 28771489 (cited by Labcorp Genetics (formerly Invitae), Labcorp and Ambry Genetics); PubMed 9140840 (cited by Labcorp Genetics (formerly Invitae), Labcorp); PubMed 23396983 (cited by Labcorp Genetics (formerly Invitae), Labcorp); PubMed 27532257 (cited by Labcorp Genetics (formerly Invitae), Labcorp); PubMed 28790153 (cited by Labcorp Genetics (formerly Invitae), Labcorp).